The following is an entry in ClinVar:

ClinVar aggregate classification (germline): Likely benign (1 of 4 stars; one submission).

Conditions:
Juvenile polyposis syndrome (JPS). Identifiers: Orphanet 2929, MedGen C0345893, MONDO:0017380, OMIM 174900.

Submission:

Myriad Genetics, Inc.
Classification: Likely benign for Juvenile polyposis syndrome. Last evaluated: 2024-08-02. Review status: criteria provided, single submitter. Criteria: Myriad Autosomal Dominant, Autosomal Recessive and X-Linked Classification Criteria (2023). Collection method: clinical testing. Allele origin: unknown.
Comment: This variant is considered likely benign. This variant is intronic and is not expected to impact mRNA splicing.

NM_004329.3(BMPR1A):c.675+7T>C

Gene: BMPR1A (bone morphogenetic protein receptor type 1A; plus strand). Cytogenetic location: 10q23.2.
Variant type: single nucleotide variant.
Coding change: c.675+7T>C on transcript NM_004329.3 (MANE Select); 7 bases into the intron after coding-DNA position 675, T replaced by C.
Molecular consequence: intron variant.
Genome position (GRCh38, 1-based): chr10:86,912,391, T>C. VCF-style: chr10-86912391-T-C. GRCh37 (hg19) VCF-style: chr10-88672148-T-C.
Other names: c.675+7T>C (NM_001406562.1, NM_001406568.1, NM_001406567.1 and 20 more transcripts); c.591+7T>C (NM_001406584.1, NM_001406588.1, NM_001406587.1 and 2 more transcripts); c.723+7T>C (NM_001406560.1); c.750+7T>C (NM_001406559.1); c.334-4743T>C (NM_001406589.1).
Identifiers: ClinVar variation 3378661 (VCV003378661.1).